The following is an entry in ClinVar:

ClinVar aggregate classification (germline): Uncertain significance (1 of 4 stars; one submission).

Conditions:
Duchenne muscular dystrophy (DMD). Also called: MUSCULAR DYSTROPHY, PSEUDOHYPERTROPHIC PROGRESSIVE, DUCHENNE TYPE; Duchenne Muscular Dystrophy (DMD). Identifiers: Orphanet 98896, MedGen C0013264, MONDO:0010679, OMIM 310200.

Allele frequency attached by ClinVar (database versions not stated): TOPMed below 0.00001.

Submission:

Labcorp Genetics (formerly Invitae), Labcorp
Classification: Uncertain significance for Duchenne muscular dystrophy. Last evaluated: 2020-08-30. Review status: criteria provided, single submitter. Criteria: Invitae Variant Classification Sherloc (09022015). Collection method: clinical testing. Allele origin: germline.
Comment: In summary, the available evidence is currently insufficient to determine the role of this variant in disease. Therefore, it has been classified as a Variant of Uncertain Significance. Algorithms developed to predict the effect of missense changes on protein structure and function (SIFT, PolyPhen-2, Align-GVGD) all suggest that this variant is likely to be tolerated, but these predictions have not been confirmed by published functional studies and their clinical significance is uncertain. This variant has not been reported in the literature in individuals with DMD-related conditions. This variant is not present in population databases (ExAC no frequency). This sequence change replaces phenylalanine with serine at codon 911 of the DMD protein (p.Phe911Ser). The phenylalanine residue is moderately conserved and there is a large physicochemical difference between phenylalanine and serine.

NM_004006.3(DMD):c.2732T>C (p.Phe911Ser)

Gene: DMD (dystrophin; minus strand). Cytogenetic location: Xp21.1.
Variant type: single nucleotide variant.
Coding change: c.2732T>C on transcript NM_004006.3 (MANE Select); coding-DNA position 2732, T replaced by C.
Protein change: p.Phe911Ser; replaces phenylalanine 911 with serine.
Molecular consequence: missense variant.
Genome position (GRCh38, 1-based): chrX:32,484,990, A>G on the plus strand (T>C on the coding strand, the complement: DMD is on the minus strand). VCF-style: chrX-32484990-A-G. GRCh37 (hg19) VCF-style: chrX-32503107-A-G.
Other names: c.2708T>C, p.Phe903Ser (NM_000109.4); c.2720T>C, p.Phe907Ser (NM_004009.3); c.2363T>C, p.Phe788Ser (NM_004010.3); short protein forms F788S, F903S, F907S, F911S.
Identifiers: ClinVar variation 1015828 (VCV001015828.9), dbSNP rs2042270248, ClinGen allele CA412670788.